The following is an entry in ClinVar:

ClinVar aggregate classification (germline): Uncertain significance (1 of 4 stars; one submission).

Submission:

Women's Health and Genetics/Laboratory Corporation of America, LabCorp
Classification: Uncertain significance. Last evaluated: 2024-12-26. Review status: criteria provided, single submitter. Criteria: LabCorp Variant Classification Summary - May 2015. Collection method: clinical testing. Allele origin: germline.
Comment: Variant summary: DIABLO c.252C>A (p.Ser84Arg) results in a non-conservative amino acid change located in the Second Mitochondria-derived Activator of Caspases (IPR015142) of the encoded protein sequence. Four of five in-silico tools predict a damaging effect of the variant on protein function. The variant was absent in 251396 control chromosomes. The available data on variant occurrences in the general population are insufficient to allow any conclusion about variant significance. To our knowledge, no occurrence of c.252C>A in individuals affected with Autosomal Dominant Nonsyndromic Hearing Loss 64 and no experimental evidence demonstrating its impact on protein function have been reported. No submitters have cited clinical-significance assessments for this variant to ClinVar. Based on the evidence outlined above, the variant was classified as uncertain significance.

NM_001371333.1(DIABLO):c.252C>A (p.Ser84Arg)

Gene: DIABLO (diablo IAP-binding mitochondrial protein; minus strand). Cytogenetic location: 12q24.31.
Variant type: single nucleotide variant.
Coding change: c.252C>A on transcript NM_001371333.1 (MANE Select); coding-DNA position 252, C replaced by A.
Protein change: p.Ser84Arg; replaces serine 84 with arginine.
Molecular consequence: missense variant. On other transcripts: intron variant (2).
Genome position (GRCh38, 1-based): chr12:122,218,329, G>T on the plus strand (C>A on the coding strand, the complement: DIABLO is on the minus strand). VCF-style: chr12-122218329-G-T. GRCh37 (hg19) VCF-style: chr12-122702876-G-T.
Other names: c.33C>A, p.Ser11Arg (NM_001278303.1); c.93C>A, p.Ser31Arg (NM_001278304.2, NM_138930.3); c.252C>A, p.Ser84Arg (NM_019887.6); c.184-1460C>A (NM_001278342.1); c.25-1460C>A (NM_001278302.1); short protein forms S11R, S31R, S84R.
Identifiers: ClinVar variation 3768417 (VCV003768417.1).